The following is an entry in ClinVar:

ClinVar aggregate classification (germline): Pathogenic (1 of 4 stars; one submission).

Conditions:
Hereditary cancer-predisposing syndrome. Also called: Tumor predisposition; Hereditary Cancer Syndrome; Hereditary neoplastic syndrome; Neoplastic Syndromes, Hereditary. Identifiers: Orphanet 140162, MedGen C0027672, MeSH D009386, MONDO:0015356.

Submission:

Ambry Genetics
Classification: Pathogenic for Hereditary cancer-predisposing syndrome. Last evaluated: 2023-07-17. Review status: criteria provided, single submitter. Criteria: Ambry Variant Classification Scheme 2023. Collection method: clinical testing. Allele origin: germline.
Comment: The c.905dupA pathogenic mutation, located in coding exon 4 of the PALB2 gene, results from a duplication of A at nucleotide position 905, causing a translational frameshift with a predicted alternate stop codon (p.N302Kfs*6). This variant is considered to be rare based on population cohorts in the Genome Aggregation Database (gnomAD). This alteration is expected to result in loss of function by premature protein truncation or nonsense-mediated mRNA decay. As such, this alteration is interpreted as a disease-causing mutation.

NM_024675.4(PALB2):c.905dup (p.Asn302fs)

Gene: PALB2 (partner and localizer of BRCA2; minus strand). Cytogenetic location: 16p12.2.
Variant type: Duplication.
Coding change: c.905dup on transcript NM_024675.4 (MANE Select); coding-DNA position 905, one base duplicated (A; older notation c.905dupA).
Protein change: p.Asn302fs; shifts the reading frame from asparagine 302.
Molecular consequence: frameshift variant. On other transcripts: intron variant (3).
Genome position (GRCh38, 1-based): chr16:23,635,641, T duplicated on the plus strand (A on the coding strand, the reverse complement: PALB2 is on the minus strand); the first of 2 consecutive T bases (chr16:23,635,641-23,635,642); duplicating either gives the same sequence. VCF-style (leftmost placement, unchanged base first): chr16-23635640-G-GT. GRCh37 (hg19) VCF-style: chr16-23646961-G-GT.
Other names: c.845dup, p.Asn282fs (NM_001407296.1); c.905dup, p.Asn302fs (NM_001407297.1, NM_001407298.1, NM_001407299.1 and 3 more transcripts); c.20dup, p.Asn7fs (NM_001407304.1, NM_001407305.1, NM_001407306.1 and 5 more transcripts); c.48+5469dup (NM_001407314.1); c.-104-5172dup (NM_001407313.1, NM_001407312.1); c.905dupA (NM_024675.3); short protein forms N282fs, N7fs, N302fs.
Identifiers: ClinVar variation 2587409 (VCV002587409.2), dbSNP rs1555461553, ClinGen allele CA2582342514.